The following is an entry in ClinVar:

NM_006904.7(PRKDC):c.2464G>T (p.Ala822Ser)

Gene: PRKDC (protein kinase, DNA-activated, catalytic subunit; minus strand). Cytogenetic location: 8q11.21.
Variant type: single nucleotide variant.
Coding change: c.2464G>T on transcript NM_006904.7 (MANE Select); coding-DNA position 2464, G replaced by T.
Protein change: p.Ala822Ser; replaces alanine 822 with serine.
Molecular consequence: missense variant.
Genome position (GRCh38, 1-based): chr8:47,918,339, C>A on the plus strand (G>T on the coding strand, the complement: PRKDC is on the minus strand). VCF-style: chr8-47918339-C-A. GRCh37 (hg19) VCF-style: chr8-48830899-C-A.
Other names: c.2464G>T, p.Ala822Ser (NM_001081640.2); short protein forms A822S.
Identifiers: ClinVar variation 3425250 (VCV003425250.1).

ClinVar aggregate classification (germline): Uncertain significance (1 of 4 stars; one submission).

Submission:

Ambry Genetics
Classification: Uncertain significance. Last evaluated: 2024-08-20. Review status: criteria provided, single submitter. Criteria: Ambry Variant Classification Scheme 2023. Collection method: clinical testing. Allele origin: germline.
Comment: The p.A822S variant (also known as c.2464G>T), located in coding exon 22 of the PRKDC gene, results from a G to T substitution at nucleotide position 2464. The alanine at codon 822 is replaced by serine, an amino acid with similar properties. This amino acid position is conserved. In addition, this alteration is predicted to be tolerated by in silico analysis. Based on the available evidence, the clinical significance of this variant remains unclear.